The following is an entry in ClinVar:

NM_178857.6(RP1L1):c.667G>T (p.Glu223Ter)

Gene: RP1L1 (RP1 like 1). Cytogenetic location: 8p23.1.
Variant type: single nucleotide variant.
Coding change: c.667G>T on transcript NM_178857.6 (MANE Select); coding-DNA position 667, G replaced by T.
Protein change: p.Glu223Ter; replaces glutamic acid 223 with a stop codon.
Molecular consequence: nonsense.
Genome position (GRCh38, 1-based): chr8:10,616,530, C>A on the plus strand (G>T on the coding strand, the complement: RP1L1 is on the minus strand). VCF-style: chr8-10616530-C-A. GRCh37 (hg19) VCF-style: chr8-10474040-C-A.
Other names: short protein forms E223*.
Identifiers: ClinVar variation 4293440 (VCV004293440.1).

ClinVar aggregate classification (germline): Likely pathogenic (1 of 4 stars; one submission).

Conditions:
Retinitis pigmentosa 88. Identifiers: MedGen C5394208, MONDO:0032940, OMIM 618826.

Submission:

3billion
Classification: Likely pathogenic for Retinitis pigmentosa 88. Last evaluated: 2024-10-23. Review status: criteria provided, single submitter. Criteria: ACMG Guidelines, 2015. Collection method: clinical testing. Allele origin: germline. Affected: yes.
Comment: The variant is not observed in the gnomAD v4.1.0 dataset. Predicted Consequence/Location: Stop-gained (nonsense): predicted to result in a loss or disruption of normal protein function through nonsense-mediated decay (NMD) or protein truncation. Multiple pathogenic variants are reported downstream of the variant. Therefore, this variant is classified as Likely pathogenic according to the recommendation of ACMG/AMP guideline.